The following is an entry in ClinVar:

ClinVar aggregate classification (germline): Uncertain significance (1 of 4 stars; one submission).

Conditions:
ADORA2A-related condition.

Submission:

PreventionGenetics, part of Exact Sciences
Classification: Uncertain significance for ADORA2A-related condition. Last evaluated: 2025-11-01. Review status: criteria provided, single submitter. Criteria: ACMG Guidelines, 2015. Collection method: clinical testing. Allele origin: germline.
Comment: The ADORA2A c.627_630delinsT variant is predicted to result in an in-frame deletion and insertion. To our knowledge, this variant has not been reported in the literature or in a large population database (gnomAD), indicating this variant is rare. At this time, the clinical significance of this variant is uncertain due to the absence of conclusive functional and genetic evidence.

NM_000675.6(ADORA2A):c.627_630delinsT (p.Lys209_Gln210delinsAsn)

Genes: ADORA2A (adenosine A2a receptor; plus strand), ADORA2A-AS1 (ADORA2A antisense RNA 1; minus strand), SPECC1L-ADORA2A (SPECC1L-ADORA2A readthrough (NMD candidate); plus strand). Cytogenetic location: 22q11.23.
Variant type: Indel.
Coding change: c.627_630delinsT on transcript NM_000675.6 (MANE Select); coding-DNA positions 627 to 630, GCAG replaced by T.
Protein change: p.Lys209_Gln210delinsAsn.
Molecular consequence: inframe indel. On other transcripts: non-coding transcript variant (3).
Genome position (GRCh38, 1-based): chr22:24,440,877-24,440,880, GCAG replaced by T. VCF-style: chr22-24440877-GCAG-T. GRCh37 (hg19) VCF-style: chr22-24836845-GCAG-T.
Other names: c.627_630delinsT, p.Lys209_Gln210delinsAsn (NM_001278497.2, NM_001278498.2, NM_001278499.2 and 1 more transcripts).
Identifiers: ClinVar variation 4994551 (VCV004994551.1).